The following is an entry in ClinVar:

NM_007294.4(BRCA1):c.5194-13T>C

Gene: BRCA1 (BRCA1 DNA repair associated; minus strand). Cytogenetic location: 17q21.31.
Variant type: single nucleotide variant.
Coding change: c.5194-13T>C on transcript NM_007294.4 (MANE Select); 13 bases into the intron before coding-DNA position 5194, T replaced by C.
Molecular consequence: intron variant.
Genome position (GRCh38, 1-based): chr17:43,057,148, A>G on the plus strand (T>C on the coding strand, the complement: BRCA1 is on the minus strand). VCF-style: chr17-43057148-A-G. GRCh37 (hg19) VCF-style: chr17-41209165-A-G.
Other names: c.1741-13T>C (NM_001408458.1, NM_001408461.1, NM_001408464.1 and 7 more transcripts); c.4303-13T>C (NM_001407967.1); c.4813-13T>C (NM_001407959.1); c.4927-13T>C (NM_001407931.1, NM_001407932.1, NM_001407928.1 and 4 more transcripts); c.5050-13T>C (NM_001407747.1, NM_001407745.1, NM_001407737.1 and 21 more transcripts); c.4810-13T>C (NM_001407962.1, NM_001407960.1); c.1381-13T>C (NM_001408512.1); c.1504-13T>C (NM_001408510.1); and 72 more.
Identifiers: ClinVar variation 1581551 (VCV001581551.10), dbSNP rs199527524, ClinGen allele CA290823509.
Genomic context (GRCh38, chr17:43,057,148, plus strand): 5'-TTGGTGGTTTCTTCCATTGACCACATCTCCTCTGACTTCAAAATCATGCTGAAAGAAACC[A>G]AACACAACCCATCAGGATAAGAGAAAGAGAAGCTTCCTTCAATGGAAGTGGAGCAGACAC-3'

ClinVar aggregate classification (germline): Likely benign. Review status: criteria provided, multiple submitters, no conflicts (2 of 4 stars). 2 submissions from 2 submitters: Likely benign (2). Last evaluated 2023-12-13.

Conditions:
Hereditary breast ovarian cancer syndrome. Also called: Hereditary breast and ovarian cancer syndrome (HBOC); Breast and ovarian cancer; Hereditary breast and ovarian cancer syndrome; Hereditary breast and ovarian cancer; Hereditary breast and/or ovarian cancer syndrome; BRCA1- and BRCA2-Associated Hereditary Breast and Ovarian Cancer. Identifiers: Orphanet 145, MedGen C0677776, MeSH D061325, MONDO:0003582. Disease mechanism: loss of function.
Breast-ovarian cancer, familial, susceptibility to, 1 (BROVCA1). Also called: BRCA1 Hereditary Breast and Ovarian Cancer; OVARIAN CANCER, SUSCEPTIBILITY TO. Identifiers: Orphanet 145, MedGen C2676676, MONDO:0011450, OMIM 604370. Disease mechanism: loss of function.

Allele frequency attached by ClinVar (database versions not stated): gnomAD exomes below 0.00001.
gnomAD v4.1: 2 of 1,612,392 alleles (0.00012%); highest among the groups gnomAD compares: Non-Finnish European, 0.00017%; no homozygotes.

Submissions (2):

All of Us Research Program, National Institutes of Health
Classification: Likely benign for Breast-ovarian cancer, familial, susceptibility to, 1. Last evaluated: 2023-12-13. Review status: criteria provided, single submitter. Criteria: ACMG Guidelines, 2015. Collection method: clinical testing. Allele origin: germline. Inheritance: Autosomal dominant inheritance. Observed: 1 variant allele, 1 heterozygote.
Comment: This study involves interpretation of variants in research participants for the purpose of population health screening. Participant phenotype was not available at the time of variant classification. Additional details can be found in publication PMID: 35346344, PMCID: PMC8962531

Labcorp Genetics (formerly Invitae), Labcorp
Classification: Likely benign for Hereditary breast ovarian cancer syndrome. Last evaluated: 2021-10-12. Review status: criteria provided, single submitter. Criteria: Invitae Variant Classification Sherloc (09022015). Collection method: clinical testing. Allele origin: germline.